The following is an entry in ClinVar:

NM_033343.4(LHX4):c.223G>A (p.Val75Ile)

Gene: LHX4 (LIM homeobox 4; plus strand). Cytogenetic location: 1q25.2.
Variant type: single nucleotide variant.
Coding change: c.223G>A on transcript NM_033343.4 (MANE Select); coding-DNA position 223, G replaced by A.
Protein change: p.Val75Ile; replaces valine 75 with isoleucine.
Molecular consequence: missense variant.
Genome position (GRCh38, 1-based): chr1:180,248,431, G>A. VCF-style: chr1-180248431-G-A. GRCh37 (hg19) VCF-style: chr1-180217566-G-A.
Other names: short protein forms V75I.
Identifiers: ClinVar variation 876695 (VCV000876695.4), dbSNP rs749318884, ClinGen allele CA1271820.

ClinVar aggregate classification (germline): Likely benign (1 of 4 stars; one submission).

Conditions:
Short stature-pituitary and cerebellar defects-small sella turcica syndrome (CPHD4). Also called: Pituitary hormone deficiency, combined with or without cerebellar defects; Short stature, pituitary and cerebellar defects and small sella turcica. Identifiers: Orphanet 85442, MedGen C2678408, MONDO:0009880, OMIM 262700.

Allele frequency attached by ClinVar (database versions not stated): gnomAD 0.00003 and 0.00004; TOPMed 0.00005; gnomAD exomes 0.00008; ExAC 0.00011.
gnomAD v4.1: 98 of 1,614,070 alleles (0.0061%); highest among the groups gnomAD compares: East Asian, 0.15%; 1 homozygote.

Submission:

Illumina Laboratory Services, Illumina
Classification: Likely benign for Short stature-pituitary and cerebellar defects-small sella turcica syndrome. Last evaluated: 2017-04-27. Review status: criteria provided, single submitter. Criteria: ICSL Variant Classification Criteria 13 December 2019. Collection method: clinical testing. Allele origin: germline.
Comment: This variant was observed as part of a predisposition screen in an ostensibly healthy population. A literature search was performed for the gene, cDNA change, and amino acid change (where applicable). Publications were found based on this search. The evidence from the literature, in combination with allele frequency data from public databases where available, was sufficient to determine this variant is unlikely to cause disease. Therefore, this variant is classified as likely benign.

Literature cited by the submitters: PubMed 23990694; PubMed 23029363.